The following is an entry in ClinVar:

NM_000395.3(CSF2RB):c.389A>G (p.His130Arg)

Genes: CSF2RB (colony stimulating factor 2 receptor subunit beta; plus strand), LOC126863140 (BRD4-independent group 4 enhancer GRCh37_chr22:37321546-37322745; plus strand). Cytogenetic location: 22q12.3.
Variant type: single nucleotide variant.
Coding change: c.389A>G on transcript NM_000395.3 (MANE Select); coding-DNA position 389, A replaced by G.
Protein change: p.His130Arg; replaces histidine 130 with arginine.
Molecular consequence: missense variant.
Genome position (GRCh38, 1-based): chr22:36,926,175, A>G. VCF-style: chr22-36926175-A-G. GRCh37 (hg19) VCF-style: chr22-37322217-A-G.
Other names: c.389A>G (NM_000395.2); short protein forms H130R.
Identifiers: ClinVar variation 1493984 (VCV001493984.11), dbSNP rs754500967, ClinGen allele CA10213449.

ClinVar aggregate classification (germline): Uncertain significance. Review status: criteria provided, multiple submitters, no conflicts (2 of 4 stars). 3 submissions from 3 submitters: Uncertain significance (3). Last evaluated 2025-08-03.

Conditions:
Inborn genetic diseases. Identifiers: MedGen C0950123, MeSH D030342.

Allele frequency attached by ClinVar (database versions not stated): gnomAD 0.00001; ExAC 0.00002; gnomAD exomes 0.00002 and 0.00003; TOPMed 0.00002.

Submissions (3):

Ambry Genetics
Classification: Uncertain significance for Inborn genetic diseases. Last evaluated: 2025-08-03. Review status: criteria provided, single submitter. Criteria: Ambry Variant Classification Scheme 2023. Collection method: clinical testing. Allele origin: germline.

Labcorp Genetics (formerly Invitae), Labcorp
Classification: Uncertain significance. Last evaluated: 2025-06-09. Review status: criteria provided, single submitter. Criteria: Invitae Variant Classification Sherloc (09022015). Collection method: clinical testing. Allele origin: germline.
Comment: This sequence change replaces histidine, which is basic and polar, with arginine, which is basic and polar, at codon 130 of the CSF2RB protein (p.His130Arg). This variant is present in population databases (rs754500967, gnomAD 0.01%). This variant has not been reported in the literature in individuals affected with CSF2RB-related conditions. ClinVar contains an entry for this variant (Variation ID: 1493984). An algorithm developed to predict the effect of missense changes on protein structure and function (PolyPhen-2) suggests that this variant is likely to be tolerated. In summary, the available evidence is currently insufficient to determine the role of this variant in disease. Therefore, it has been classified as a Variant of Uncertain Significance.

Blueprint Genetics
Classification: Uncertain significance. Last evaluated: 2022-02-10. Review status: criteria provided, single submitter. Criteria: ACMG Guidelines, 2015. Collection method: clinical testing. Allele origin: germline.